The following is an entry in ClinVar:

NM_003680.4(YARS1):c.1015G>A (p.Ala339Thr)

Gene: YARS1 (tyrosyl-tRNA synthetase 1; minus strand). Cytogenetic location: 1p35.1.
Variant type: single nucleotide variant.
Coding change: c.1015G>A on transcript NM_003680.4 (MANE Select); coding-DNA position 1015, G replaced by A.
Protein change: p.Ala339Thr; replaces alanine 339 with threonine.
Molecular consequence: missense variant.
Genome position (GRCh38, 1-based): chr1:32,782,431, C>T on the plus strand (G>A on the coding strand, the complement: YARS1 is on the minus strand). VCF-style: chr1-32782431-C-T. GRCh37 (hg19) VCF-style: chr1-33248032-C-T.
Other names: p.Ala339Thr; short protein forms A339T.
Identifiers: ClinVar variation 215506 (VCV000215506.21), dbSNP rs141323599, ClinGen allele CA338760.

ClinVar aggregate classification (germline): Benign/Likely benign. Review status: criteria provided, multiple submitters, no conflicts (2 of 4 stars). 11 submissions from 11 submitters: Benign (8); Likely benign (1). 2 of the submissions do not count toward it. Last evaluated 2025-12-29.

Conditions:
YARS1-related disorder. Also called: YARS1-related condition.
Charcot-Marie-Tooth disease dominant intermediate C (CMTDIC). Also called: CHARCOT-MARIE-TOOTH NEUROPATHY, DOMINANT INTERMEDIATE C. Identifiers: Orphanet 100045, MedGen C1842237, MONDO:0012012, OMIM 608323.

Allele frequency attached by ClinVar (database versions not stated): gnomAD exomes 0.00194 and 0.00278; ExAC 0.00302; 1000 Genomes Project 30x 0.00344; 1000 Genomes Project 0.00359; ESP Exome Variant Server 0.00046; gnomAD 0.00066 and 0.00124; TOPMed 0.00089.
gnomAD v4.1: 3,037 of 1,614,024 alleles (0.19%); highest among the groups gnomAD compares: South Asian, 1.6%; 36 homozygotes.

Submissions (11):

Labcorp Genetics (formerly Invitae), Labcorp
Classification: Benign for Charcot-Marie-Tooth disease dominant intermediate C. Last evaluated: 2025-12-29. Review status: criteria provided, single submitter. Criteria: Invitae Variant Classification Sherloc (09022015). Collection method: clinical testing. Allele origin: germline.

Genomic Medicine Center of Excellence, King Faisal Specialist Hospital and Research Centre
Classification: Likely benign. Last evaluated: 2025-08-18. Review status: criteria provided, single submitter. Criteria: ACMG Guidelines, 2015. Collection method: clinical testing. Allele origin: germline.

PreventionGenetics, part of Exact Sciences
Classification: Benign for YARS1-related condition. Last evaluated: 2025-04-18. Review status: criteria provided, single submitter. Criteria: ACMG Guidelines, 2015. Collection method: clinical testing. Allele origin: germline.
Comment: This variant is classified as benign based on ACMG/AMP sequence variant interpretation guidelines (Richards et al. 2015 PMID: 25741868, with internal and published modifications).

ARUP Laboratories, Molecular Genetics and Genomics, ARUP Laboratories
Classification: Benign. Last evaluated: 2023-10-09. Review status: criteria provided, single submitter. Criteria: ARUP Molecular Germline Variant Investigation Process 2024. Collection method: clinical testing. Allele origin: germline.

Mayo Clinic Laboratories, Mayo Clinic
Classification: Benign. Last evaluated: 2022-01-12. Review status: criteria provided, single submitter. Criteria: ACMG Guidelines, 2015. Collection method: clinical testing. Allele origin: germline. Observed: 4 variant alleles.
Comment: BS1, BS2, BS4, BP4

Athena Diagnostics
Classification: Benign. Last evaluated: 2020-11-12. Review status: criteria provided, single submitter. Criteria: Athena Diagnostics criteria. Collection method: clinical testing. Allele origin: unknown.

Illumina Laboratory Services, Illumina
Classification: Benign for Charcot-Marie-Tooth disease dominant intermediate C. Last evaluated: 2018-01-12. Review status: criteria provided, single submitter. Criteria: ICSL Variant Classification Criteria 13 December 2019. Collection method: clinical testing. Allele origin: germline.
Comment: This variant was observed in the ICSL laboratory as part of a predisposition screen in an ostensibly healthy population. It had not been previously curated by ICSL or reported in the Human Gene Mutation Database (HGMD: prior to June 1st, 2018), and was therefore a candidate for classification through an automated scoring system. Utilizing variant allele frequency, disease prevalence and penetrance estimates, and inheritance mode, an automated score was calculated to assess if this variant is too frequent to cause the disease. Based on the score and internal cut-off values, a variant classified as benign is not then subjected to further curation. The score for this variant resulted in a classification of benign for this disease.

GeneDx
Classification: Benign. Last evaluated: 2016-08-03. Review status: criteria provided, single submitter. Criteria: GeneDx Variant Classification (06012015). Collection method: clinical testing. Allele origin: germline. Affected: yes.
Comment: This variant is considered likely benign or benign based on one or more of the following criteria: it is a conservative change, it occurs at a poorly conserved position in the protein, it is predicted to be benign by multiple in silico algorithms, and/or has population frequency not consistent with disease.

Breakthrough Genomics
Classification: Benign. Review status: criteria provided, single submitter. Criteria: ACMG Guidelines, 2015. Collection method: not provided. Allele origin: germline. Inheritance: Autosomal recessive inheritance. Affected: yes.

Clinical Genetics, Academic Medical Center
Classification: Benign. Review status: no assertion criteria provided. Collection method: clinical testing. Allele origin: germline. Affected: yes. Study: VKGL Data-share Consensus. Not counted in ClinVar's aggregate classification.

Genome Diagnostics Laboratory, University Medical Center Utrecht
Classification: Benign. Review status: no assertion criteria provided. Collection method: clinical testing. Allele origin: germline. Affected: yes. Study: VKGL Data-share Consensus. Not counted in ClinVar's aggregate classification.

Literature cited by the submitters: PubMed 21576112 (cited by Athena Diagnostics).